The following is an entry in ClinVar:

NM_000059.4(BRCA2):c.68-2_316+1del

Gene: BRCA2 (BRCA2 DNA repair associated; plus strand). Cytogenetic location: 13q13.1.
Variant type: Deletion.
Coding change: c.68-2_316+1del on transcript NM_000059.4 (MANE Select); the canonical splice acceptor site of the intron before coding-DNA position 68 through the canonical splice donor site of the intron after coding-DNA position 316, 252 bases deleted.
Molecular consequence: splice acceptor variant, splice donor variant.
Genome position (GRCh38, 1-based): chr13:32,319,075-32,319,326, 252 bases deleted. GRCh37 (hg19): chr13:32,893,212-32,893,463.
Identifiers: ClinVar variation 1048907 (VCV001048907.2), dbSNP rs2138703519, ClinGen allele CA2499222015.

ClinVar aggregate classification (germline): Pathogenic (0 of 4 stars; one submission).

Conditions:
Malignant tumor of breast. Also called: Malignant breast neoplasm; Cancer breast. Identifiers: MedGen C0006142, MONDO:0007254. Disease mechanism: loss of function.

Submission:

Department of Pathology and Laboratory Medicine, Sinai Health System
Classification: Pathogenic for Malignant tumor of breast. Review status: no assertion criteria provided. Collection method: clinical testing. Allele origin: unknown. Affected: yes. Study: The Canadian Open Genetics Repository (COGR).
Comment: The BRCA2 c.68-?_316+?del variant results in a deletion of exon 3, although the precise breakpoints of this deletion were not determined, nor were the effects of this variant on the resulting mRNA or protein product determined. An entire exon 3 deletion variant c.68-925_316+2889del4063 has been previous identified in the literature in 1 of 4116 proband chromosomes (frequency 0.0002) in individuals with hereditary breast or ovarian cancer (Muller 2011). The variant was not identified in the following databases: dbSNP, Clinvitae database, Fanconi Anemia Mutation Database (LOVD), LOVD-IARC, ARUP Laboratories BRCA Mutations Database, COSMIC, ClinVar, COGR, or BIC. The variant was identified in UMD (3x with a â€šÃ„Ãºcausalâ€šÃ„Ã¹ classification). Other variants within exon 3 which result in exon 3 mRNA skipping have been described in the literature, and have been reported as disease-causing mutations in breast/ovarian cancer families (Janavicius 2010, Nordling 1998). However, the functional significance of exon 3 in-frame skipping is still unknown. On the one hand, this region contains two important domains for transactivation and is required for phosphorylation of the BRCA2 Protein (Santos 2014), on the other hand, the skipping of exon 3 does not alter the reading frame, and the Rad51 binding sites and nuclear localization signals in the 3' region of BRCA2 still remain (Dâˆšâ‰ ez 2007). In summary, based on the above information, this variant is classified as pathogenic.